The following is an entry in ClinVar:

NM_170754.4(TNS2):c.3754G>A (p.Glu1252Lys)

Gene: TNS2 (tensin 2; plus strand). Cytogenetic location: 12q13.13.
Variant type: single nucleotide variant.
Coding change: c.3754G>A on transcript NM_170754.4 (MANE Select); coding-DNA position 3754, G replaced by A.
Protein change: p.Glu1252Lys; replaces glutamic acid 1252 with lysine.
Molecular consequence: missense variant.
Genome position (GRCh38, 1-based): chr12:53,062,628, G>A. VCF-style: chr12-53062628-G-A. GRCh37 (hg19) VCF-style: chr12-53456412-G-A.
Other names: c.3754G>A, p.Glu1252Lys (NM_001416202.1); c.3712G>A, p.Glu1238Lys (NM_001416203.1); c.3781G>A, p.Glu1261Lys (NM_001416204.1); c.3685G>A, p.Glu1229Lys (NM_015319.3); c.3382G>A, p.Glu1128Lys (NM_198316.2); short protein forms E1128K, E1229K, E1238K, E1261K, E1252K.
Identifiers: ClinVar variation 4761873 (VCV004761873.1).

ClinVar aggregate classification (germline): Uncertain significance (1 of 4 stars; one submission).

gnomAD v4.1: 8 of 1,614,028 alleles (0.0005%); highest among the groups gnomAD compares: Admixed American, 0.0033%; no homozygotes.

Submission:

Labcorp Genetics (formerly Invitae), Labcorp
Classification: Uncertain significance. Last evaluated: 2025-10-31. Review status: criteria provided, single submitter. Criteria: Invitae Variant Classification Sherloc (09022015). Collection method: clinical testing. Allele origin: germline.
Comment: This sequence change replaces glutamic acid, which is acidic and polar, with lysine, which is basic and polar, at codon 1262 of the TNS2 protein (p.Glu1262Lys). This variant is present in population databases (rs188282581, gnomAD 0.006%). This variant has not been reported in the literature in individuals affected with TNS2-related conditions. An algorithm developed to predict the effect of missense changes on protein structure and function (PolyPhen-2) suggests that this variant is likely to be tolerated. In summary, the available evidence is currently insufficient to determine the role of this variant in disease. Therefore, it has been classified as a Variant of Uncertain Significance.